The following is an entry in ClinVar:

NM_002458.3(MUC5B):c.9084G>C (p.Thr3028=)

Genes: MUC5B (mucin 5B, oligomeric mucus/gel-forming; plus strand), MUC5B-AS1 (MUC5B antisense RNA 1; minus strand). Cytogenetic location: 11p15.5.
Variant type: single nucleotide variant.
Coding change: c.9084G>C on transcript NM_002458.3 (MANE Select); coding-DNA position 9084, G replaced by C.
Protein change: p.Thr3028=; no amino-acid change (threonine 3028 retained).
Molecular consequence: synonymous variant.
Genome position (GRCh38, 1-based): chr11:1,245,964, G>C. VCF-style: chr11-1245964-G-C. GRCh37 (hg19) VCF-style: chr11-1267194-G-C.
Identifiers: ClinVar variation 2641250 (VCV002641250.25), dbSNP rs368938736, ClinGen allele CA5806855.

ClinVar aggregate classification (germline): Likely benign. Review status: criteria provided, multiple submitters, no conflicts (2 of 4 stars). 2 submissions from 2 submitters: Likely benign (2). Last evaluated 2025-02-16.

Allele frequency attached by ClinVar (database versions not stated): TOPMed 0.00028; ESP Exome Variant Server 0.00031; 1000 Genomes Project 0.00040; 1000 Genomes Project 30x 0.00047.
gnomAD v4.1: 992 of 1,611,746 alleles (0.062%); highest among the groups gnomAD compares: Non-Finnish European, 0.062%; 3 homozygotes.

Submissions (2):

Laboratory of Genetics, Children's Clinical University Hospital Latvia
Classification: Likely benign. Last evaluated: 2025-02-16. Review status: criteria provided, single submitter. Criteria: ACMG Guidelines, 2015. Collection method: clinical testing. Allele origin: germline. Affected: yes.

CeGaT Center for Human Genetics Tuebingen
Classification: Likely benign. Last evaluated: 2022-05-01. Review status: criteria provided, single submitter. Criteria: CeGaT Center For Human Genetics Tuebingen Variant Classification Criteria Version 2. Collection method: clinical testing. Allele origin: germline. Affected: yes. Observed: 1 variant allele.
Comment: MUC5B: BP4, BP7